The following is an entry in ClinVar:

ClinVar aggregate classification (germline): Uncertain significance. Review status: criteria provided, single submitter (1 of 4 stars). 2 submissions from 2 submitters: Uncertain significance (1). 1 of the submissions does not count toward it. Last evaluated 2023-01-28.

Conditions:
Fabry disease. Also called: ALPHA-GALACTOSIDASE A DEFICIENCY; ANDERSON-FABRY DISEASE; CERAMIDE TRIHEXOSIDASE DEFICIENCY; GLA DEFICIENCY; HEREDITARY DYSTOPIC LIPIDOSIS; Fabry's disease. Identifiers: Orphanet 324, MedGen C0002986, MONDO:0010526, OMIM 301500, HP:0001071. Disease mechanism: loss of function, Fabry disease is due to inactivating mutations in the X-linked GLA gene resulting in deficiency of the enzyme Alpha Galactosidase-A..

Allele frequency attached by ClinVar (database versions not stated): TOPMed 0.00001; gnomAD 0.00002.
gnomAD v4.1: 2 of 1,207,163 alleles (0.00017%); highest among the groups gnomAD compares: Non-Finnish European, 0.00022%; no homozygotes.

Submissions (2):

Labcorp Genetics (formerly Invitae), Labcorp
Classification: Uncertain significance for Fabry disease. Last evaluated: 2023-01-28. Review status: criteria provided, single submitter. Criteria: Invitae Variant Classification Sherloc (09022015). Collection method: clinical testing. Allele origin: germline.
Comment: This sequence change replaces asparagine, which is neutral and polar, with isoleucine, which is neutral and non-polar, at codon 419 of the GLA protein (p.Asn419Ile). This variant is not present in population databases (gnomAD no frequency). This variant has not been reported in the literature in individuals affected with GLA-related conditions. ClinVar contains an entry for this variant (Variation ID: 405510). Advanced modeling of protein sequence and biophysical properties (such as structural, functional, and spatial information, amino acid conservation, physicochemical variation, residue mobility, and thermodynamic stability) performed at Invitae indicates that this missense variant is not expected to disrupt GLA protein function. In summary, the available evidence is currently insufficient to determine the role of this variant in disease. Therefore, it has been classified as a Variant of Uncertain Significance.

Natera, Inc.
Classification: Uncertain significance for Fabry disease. Last evaluated: 2021-03-11. Review status: no assertion criteria provided. Collection method: clinical testing. Allele origin: germline. Not counted in ClinVar's aggregate classification.

NM_000169.3(GLA):c.1256A>T (p.Asn419Ile)

Genes: GLA (galactosidase alpha; minus strand), RPL36A-HNRNPH2 (RPL36A-HNRNPH2 readthrough; plus strand). Cytogenetic location: Xq22.1.
Variant type: single nucleotide variant.
Coding change: c.1256A>T on transcript NM_000169.3 (MANE Select); coding-DNA position 1256, A replaced by T.
Protein change: p.Asn419Ile; replaces asparagine 419 with isoleucine.
Molecular consequence: missense variant. On other transcripts: non-coding transcript variant (3), intron variant (2).
Genome position (GRCh38, 1-based): chrX:101,397,843, T>A on the plus strand (A>T on the coding strand, the complement: GLA is on the minus strand). VCF-style: chrX-101397843-T-A. GRCh37 (hg19) VCF-style: chrX-100652831-T-A.
Other names: c.1379A>T, p.Asn460Ile (NM_001406747.1); c.300+2386T>A (NM_001199973.2); c.177+6021T>A (NM_001199974.2); short protein forms N419I, N460I.
Identifiers: ClinVar variation 405510 (VCV000405510.14), dbSNP rs1060500749, ClinGen allele CA16616623.